The following is an entry in ClinVar:

ClinVar aggregate classification (germline): Uncertain significance (1 of 4 stars; one submission).

Allele frequency attached by ClinVar (database versions not stated): gnomAD exomes below 0.00001; TOPMed below 0.00001.
gnomAD v4.1: 3 of 1,614,044 alleles (0.00019%); highest among the groups gnomAD compares: Non-Finnish European, 0.00025%; no homozygotes.

Submission:

Labcorp Genetics (formerly Invitae), Labcorp
Classification: Uncertain significance. Last evaluated: 2023-06-29. Review status: criteria provided, single submitter. Criteria: Invitae Variant Classification Sherloc (09022015). Collection method: clinical testing. Allele origin: germline.
Comment: This variant has not been reported in the literature in individuals affected with MFSD2A-related conditions. This variant is not present in population databases (gnomAD no frequency). This sequence change replaces tyrosine, which is neutral and polar, with cysteine, which is neutral and slightly polar, at codon 284 of the MFSD2A protein (p.Tyr284Cys). ClinVar contains an entry for this variant (Variation ID: 2191326). In summary, the available evidence is currently insufficient to determine the role of this variant in disease. Therefore, it has been classified as a Variant of Uncertain Significance. Algorithms developed to predict the effect of missense changes on protein structure and function output the following: SIFT: "Not Available"; PolyPhen-2: "Benign"; Align-GVGD: "Not Available". The cysteine amino acid residue is found in multiple mammalian species, which suggests that this missense change does not adversely affect protein function.

NM_032793.5(MFSD2A):c.812A>G (p.Tyr271Cys)

Gene: MFSD2A (MFSD2 lysolipid transporter A, lysophospholipid; plus strand). Cytogenetic location: 1p34.2.
Variant type: single nucleotide variant.
Coding change: c.812A>G on transcript NM_032793.5 (MANE Select); coding-DNA position 812, A replaced by G.
Protein change: p.Tyr271Cys; replaces tyrosine 271 with cysteine.
Molecular consequence: missense variant. On other transcripts: non-coding transcript variant (1).
Genome position (GRCh38, 1-based): chr1:39,966,817, A>G. VCF-style: chr1-39966817-A-G. GRCh37 (hg19) VCF-style: chr1-40432489-A-G.
Other names: c.851A>G, p.Tyr284Cys (NM_001136493.3); c.344A>G, p.Tyr115Cys (NM_001287808.2); c.695A>G, p.Tyr232Cys (NM_001287809.2); c.806A>G, p.Tyr269Cys (NM_001349821.2); c.812A>G, p.Tyr271Cys (NM_001349822.2); c.467A>G, p.Tyr156Cys (NM_001349823.2); short protein forms Y284C, Y115C, Y156C, Y269C, Y232C, Y271C.
Identifiers: ClinVar variation 2191326 (VCV002191326.4), dbSNP rs867743059, ClinGen allele CA21015952.